The following is an entry in ClinVar:

ClinVar aggregate classification (germline): Uncertain significance (1 of 4 stars; one submission).

Conditions:
Kabuki syndrome 2 (KABUK2). Also called: KDM6A-Related Kabuki Syndrome. Identifiers: Orphanet 2322, MedGen C3275495, MONDO:0010465, OMIM 300867.

Submission:

Labcorp Genetics (formerly Invitae), Labcorp
Classification: Uncertain significance for Kabuki syndrome 2. Last evaluated: 2022-07-06. Review status: criteria provided, single submitter. Criteria: Invitae Variant Classification Sherloc (09022015). Collection method: clinical testing. Allele origin: germline.
Comment: This sequence change replaces glycine, which is neutral and non-polar, with aspartic acid, which is acidic and polar, at codon 673 of the KDM6A protein (p.Gly673Asp). In summary, the available evidence is currently insufficient to determine the role of this variant in disease. Therefore, it has been classified as a Variant of Uncertain Significance. Algorithms developed to predict the effect of missense changes on protein structure and function are either unavailable or do not agree on the potential impact of this missense change (SIFT: "Deleterious"; PolyPhen-2: "Benign"; Align-GVGD: "Class C65"). This variant has not been reported in the literature in individuals affected with KDM6A-related conditions. This variant is not present in population databases (gnomAD no frequency).

NM_001291415.2(KDM6A):c.2174G>A (p.Gly725Asp)

Gene: KDM6A (lysine demethylase 6A; plus strand). Cytogenetic location: Xp11.3.
Variant type: single nucleotide variant.
Coding change: c.2174G>A on transcript NM_001291415.2 (MANE Select); coding-DNA position 2174, G replaced by A.
Protein change: p.Gly725Asp; replaces glycine 725 with aspartic acid.
Molecular consequence: missense variant. On other transcripts: non-coding transcript variant (1).
Genome position (GRCh38, 1-based): chrX:45,069,673, G>A. VCF-style: chrX-45069673-G-A. GRCh37 (hg19) VCF-style: chrX-44928918-G-A.
Other names: c.2039G>A, p.Gly680Asp (NM_001291416.2); c.1883G>A, p.Gly628Asp (NM_001291417.2); c.1781G>A, p.Gly594Asp (NM_001291418.2); c.1130G>A, p.Gly377Asp (NM_001291421.2); c.1916G>A, p.Gly639Asp (NM_001410742.1); c.2018G>A, p.Gly673Asp (NM_021140.4); short protein forms G628D, G639D, G673D, G680D, G725D, G594D, G377D.
Identifiers: ClinVar variation 1915587 (VCV001915587.5), dbSNP rs2148036545, ClinGen allele CA412792430.